The following is an entry in ClinVar:

ClinVar aggregate classification (germline): Uncertain significance (1 of 4 stars; one submission).

Submission:

GeneDx
Classification: Uncertain significance. Last evaluated: 2022-02-08. Review status: criteria provided, single submitter. Criteria: GeneDx Variant Classification Process June 2021. Collection method: clinical testing. Allele origin: germline. Affected: yes.
Comment: Not observed at significant frequency in large population cohorts (gnomAD); In silico analysis supports that this missense variant has a deleterious effect on protein structure/function; Has not been previously published as pathogenic or benign to our knowledge

NM_003922.4(HERC1):c.1670T>G (p.Val557Gly)

Gene: HERC1 (HECT and RLD domain containing E3 ubiquitin protein ligase family member 1; minus strand). Cytogenetic location: 15q22.31.
Variant type: single nucleotide variant.
Coding change: c.1670T>G on transcript NM_003922.4 (MANE Select); coding-DNA position 1670, T replaced by G.
Protein change: p.Val557Gly; replaces valine 557 with glycine.
Molecular consequence: missense variant.
Genome position (GRCh38, 1-based): chr15:63,754,609, A>C on the plus strand (T>G on the coding strand, the complement: HERC1 is on the minus strand). VCF-style: chr15-63754609-A-C. GRCh37 (hg19) VCF-style: chr15-64046808-A-C.
Other names: short protein forms V557G.
Identifiers: ClinVar variation 1700451 (VCV001700451.2), dbSNP rs2141979278, ClinGen allele CA392803739.